The following is an entry in ClinVar:

ClinVar aggregate classification (germline): Uncertain significance (1 of 4 stars; one submission).

Submission:

Labcorp Genetics (formerly Invitae), Labcorp
Classification: Uncertain significance. Last evaluated: 2020-03-17. Review status: criteria provided, single submitter. Criteria: Invitae Variant Classification Sherloc (09022015). Collection method: clinical testing. Allele origin: germline.
Comment: This variant results in a copy number gain of the genomic region encompassing the full coding sequence of the PCYT1A gene. The boundaries of this event are unknown as they extend beyond the assayed region for this gene and therefore may encompass additional genes. As the precise location of this event is unknown, it may be in tandem or it may be located elsewhere in the genome. This variant has not been reported in the literature in individuals with PCYT1A-related conditions. In summary, the available evidence is currently insufficient to determine the role of this variant in disease. Therefore, it has been classified as a Variant of Uncertain Significance.

NC_000003.11:g.(?_195754030)_(196438852_?)dup

Genes: ZDHHC19 (zDHHC palmitoyltransferase 19; minus strand), WDR53 (WD repeat domain 53; minus strand), TM4SF19 (transmembrane 4 L six family member 19; minus strand), NRROS (negative regulator of reactive oxygen species; plus strand), UBXN7 (UBX domain protein 7; minus strand) and 8 more. Cytogenetic location: 3q29.
Variant type: Duplication.
Identifiers: ClinVar variation 1015396 (VCV001015396.1).